The following is an entry in ClinVar:

ClinVar aggregate classification (germline): Conflicting classifications of pathogenicity. Review status: criteria provided, conflicting classifications (1 of 4 stars). 3 submissions from 3 submitters: Uncertain significance (2); Likely benign (1). Last evaluated 2023-05-12.

Conditions:
Neuronopathy, distal hereditary motor, type 2D. Also called: HMN IID; SPINAL MUSCULAR ATROPHY, DISTAL, AUTOSOMAL DOMINANT, CALF-PREDOMINANT; NEURONOPATHY, DISTAL HEREDITARY MOTOR, AUTOSOMAL DOMINANT 6; NEURONOPATHY, DISTAL HEREDITARY MOTOR, HARDING TYPE IID; NEUROPATHY, DISTAL HEREDITARY MOTOR, HARDING TYPE IID. Identifiers: Orphanet 139525, MedGen C3888271, MONDO:0014259, OMIM 615575.
Distal hereditary motor neuropathy type 2. Identifiers: Orphanet 139525, MedGen C3711384, MeSH C580044, MONDO:0015352.

Allele frequency attached by ClinVar (database versions not stated): gnomAD 0.00002; TOPMed 0.00002; gnomAD exomes 0.00006 and 0.00007; ExAC 0.00011.
gnomAD v4.1: 94 of 1,598,408 alleles (0.0059%); highest among the groups gnomAD compares: Non-Finnish European, 0.0079%; no homozygotes.

Submissions (3):

Revvity Omics, Revvity
Classification: Uncertain significance for Neuronopathy, distal hereditary motor, type 2D. Last evaluated: 2023-05-12. Review status: criteria provided, single submitter. Criteria: ACMG Guidelines, 2015. Collection method: clinical testing. Allele origin: germline.

Labcorp Genetics (formerly Invitae), Labcorp
Classification: Uncertain significance for Distal hereditary motor neuropathy type 2. Last evaluated: 2022-11-17. Review status: criteria provided, single submitter. Criteria: Invitae Variant Classification Sherloc (09022015). Collection method: clinical testing. Allele origin: germline.
Comment: In summary, the available evidence is currently insufficient to determine the role of this variant in disease. Therefore, it has been classified as a Variant of Uncertain Significance. Advanced modeling of protein sequence and biophysical properties (such as structural, functional, and spatial information, amino acid conservation, physicochemical variation, residue mobility, and thermodynamic stability) has been performed at Invitae for this missense variant, however the output from this modeling did not meet the statistical confidence thresholds required to predict the impact of this variant on FBXO38 protein function. ClinVar contains an entry for this variant (Variation ID: 1045555). This variant has not been reported in the literature in individuals affected with FBXO38-related conditions. This variant is present in population databases (rs112086763, gnomAD 0.01%). This sequence change replaces asparagine, which is neutral and polar, with histidine, which is basic and polar, at codon 31 of the FBXO38 protein (p.Asn31His).

Ambry Genetics
Classification: Likely benign. Last evaluated: 2019-10-10. Review status: criteria provided, single submitter. Criteria: Ambry Variant Classification Scheme 2023. Collection method: clinical testing. Allele origin: germline.

NM_205836.3(FBXO38):c.91A>C (p.Asn31His)

Gene: FBXO38 (F-box protein 38; plus strand). Cytogenetic location: 5q32.
Variant type: single nucleotide variant.
Coding change: c.91A>C on transcript NM_205836.3 (MANE Select); coding-DNA position 91, A replaced by C.
Protein change: p.Asn31His; replaces asparagine 31 with histidine.
Molecular consequence: missense variant.
Genome position (GRCh38, 1-based): chr5:148,394,867, A>C. VCF-style: chr5-148394867-A-C. GRCh37 (hg19) VCF-style: chr5-147774430-A-C.
Other names: c.91A>C, p.Asn31His (NM_001271723.2, NM_030793.5); c.91A>C (NM_030793.4); short protein forms N31H.
Identifiers: ClinVar variation 1045555 (VCV001045555.15), dbSNP rs112086763, ClinGen allele CA3496954.
Genomic context (GRCh38, chr5:148,394,867, plus strand): 5'-TGTATCATGAATAATGAAATTCCAGAAGAAATGACAGCAGATGAAACAAAGGACTATATG[A>C]ATCAACTTTCACATGAAGTACTTTGCCATATTTTTAGGTAAGATTGTGTTTGGTTGGCTT-3'
Protein context (NP_995308.1, residues 21-41): MTADETKDYM[Asn31His]QLSHEVLCHI